The following is an entry in ClinVar:

NM_033026.6(PCLO):c.15289-5dup

Gene: PCLO (piccolo presynaptic cytomatrix protein; minus strand). Cytogenetic location: 7q21.11.
Variant type: Duplication.
Coding change: c.15289-5dup on transcript NM_033026.6 (MANE Select); 5 bases into the intron before coding-DNA position 15289, one base duplicated (T; older notation c.15289-5dupT).
Molecular consequence: intron variant.
Genome position (GRCh38, 1-based): chr7:82,758,720, A duplicated on the plus strand (T on the coding strand, the reverse complement: PCLO is on the minus strand); the first of 6 consecutive A bases (chr7:82,758,720-82,758,725); duplicating any one gives the same sequence. VCF-style (leftmost placement, unchanged base first): chr7-82758719-G-GA. GRCh37 (hg19) VCF-style: chr7-82388035-G-GA.
Other names: c.15289-5dupT (NM_033026.5).
Identifiers: ClinVar variation 1590969 (VCV001590969.10), dbSNP rs779490171, ClinGen allele CA4318562.

ClinVar aggregate classification (germline): Benign. Review status: criteria provided, single submitter (1 of 4 stars). 2 submissions from 2 submitters: Benign (1). 1 of the submissions does not count toward it. Last evaluated 2025-12-16.

Conditions:
PCLO-related disorder. Also called: PCLO-related condition.

Submissions (2):

Labcorp Genetics (formerly Invitae), Labcorp
Classification: Benign. Last evaluated: 2025-12-16. Review status: criteria provided, single submitter. Criteria: Invitae Variant Classification Sherloc (09022015). Collection method: clinical testing. Allele origin: germline.

PreventionGenetics, part of Exact Sciences
Classification: Likely benign for PCLO-related condition. Last evaluated: 2022-09-07. Review status: no assertion criteria provided. Collection method: clinical testing. Allele origin: germline. Not counted in ClinVar's aggregate classification.
Comment: This variant is classified as likely benign based on ACMG/AMP sequence variant interpretation guidelines (Richards et al. 2015 PMID: 25741868, with internal and published modifications).